The following is an entry in ClinVar:

ClinVar aggregate classification (germline): Pathogenic (1 of 4 stars; one submission).

Submission:

GeneDx
Classification: Pathogenic. Last evaluated: 2025-07-07. Review status: criteria provided, single submitter. Criteria: GeneDx Variant Classification Process June 2021. Collection method: clinical testing. Allele origin: germline. Affected: yes.
Comment: Published functional studies demonstrate a damaging effect and show that this variant causes reduced cell surface localization, is retained in the endoplasmic reticulum, and interacts with wild type PMP22 (PMID: 40488457); In silico analysis supports that this missense variant has a deleterious effect on protein structure/function; Not observed at significant frequency in large population cohorts (gnomAD); This variant is associated with the following publications: (PMID: 40488457, 37606798, 35886002)

NM_000304.4(PMP22):c.35A>C (p.His12Pro)

Gene: PMP22 (peripheral myelin protein 22; minus strand). Cytogenetic location: 17p12.
Variant type: single nucleotide variant.
Coding change: c.35A>C on transcript NM_000304.4 (MANE Select); coding-DNA position 35, A replaced by C.
Protein change: p.His12Pro; replaces histidine 12 with proline.
Molecular consequence: missense variant.
Genome position (GRCh38, 1-based): chr17:15,260,693, T>G on the plus strand (A>C on the coding strand, the complement: PMP22 is on the minus strand). VCF-style: chr17-15260693-T-G. GRCh37 (hg19) VCF-style: chr17-15164010-T-G.
Other names: c.35A>C, p.His12Pro (NM_001281455.2, NM_001281456.2, NM_001330143.2 and 2 more transcripts); short protein forms H12P.
Identifiers: ClinVar variation 4685292 (VCV004685292.1).